The following is an entry in ClinVar:

NM_020320.5(RARS2):c.733C>T (p.Arg245Trp)

Gene: RARS2 (arginyl-tRNA synthetase 2, mitochondrial; minus strand). Cytogenetic location: 6q15.
Variant type: single nucleotide variant.
Coding change: c.733C>T on transcript NM_020320.5 (MANE Select); coding-DNA position 733, C replaced by T.
Protein change: p.Arg245Trp; replaces arginine 245 with tryptophan.
Molecular consequence: missense variant. On other transcripts: non-coding transcript variant (23).
Genome position (GRCh38, 1-based): chr6:87,530,822, G>A on the plus strand (C>T on the coding strand, the complement: RARS2 is on the minus strand). VCF-style: chr6-87530822-G-A. GRCh37 (hg19) VCF-style: chr6-88240540-G-A.
Other names: c.208C>T, p.Arg70Trp (NM_001318785.2, NM_001350506.2, NM_001350507.2 and 4 more transcripts); c.733C>T, p.Arg245Trp (NM_001350505.2); c.733C>T (NM_020320.4); short protein forms R245W, R70W.
Identifiers: ClinVar variation 3253571 (VCV003253571.2), dbSNP rs1777270779.
Genomic context (GRCh38, chr6:87,530,822, plus strand): 5'-AGAAGGGAGGGTCAACCAATACCTTGTAAACCCGAATGTACTCTTCAATGCTCAAGTCCC[G>A]AAATTTTTGCCACAGTGAAAGTGCTTGCACATCGCCCAGTTCCAATCGTTGGAAGAACTC-3'
Protein context (NP_064716.2, residues 235-255): VQALSLWQKF[Arg245Trp]DLSIEEYIRV

ClinVar aggregate classification (germline): Conflicting classifications of pathogenicity. Review status: criteria provided, conflicting classifications (1 of 4 stars). 2 submissions from 2 submitters: Likely pathogenic (1); Uncertain significance (1). Last evaluated 2024-10-09.

Conditions:
Pontocerebellar hypoplasia type 6 (PCH6). Identifiers: Orphanet 166073, MedGen C1969084, MONDO:0012683, OMIM 611523.

Allele frequency attached by ClinVar (database versions not stated): gnomAD exomes below 0.00001; TOPMed below 0.00001; gnomAD 0.00001.
gnomAD v4.1: 3 of 1,614,034 alleles (0.00019%); highest among the groups gnomAD compares: Non-Finnish European, 0.00017%; no homozygotes.

Submissions (2):

Victorian Clinical Genetics Services, Murdoch Childrens Research Institute
Classification: Likely pathogenic for Pontocerebellar hypoplasia type 6. Last evaluated: 2024-10-09. Review status: criteria provided, single submitter. Criteria: ACMG Guidelines, 2015. Collection method: clinical testing. Allele origin: germline. Inheritance: Autosomal recessive inheritance. Affected: yes.
Comment: Based on the classification scheme VCGS_Germline_v1.3.4, this variant is classified as Likely pathogenic. Following criteria are met: 0102 - Loss of function is a known mechanism of disease in this gene and is associated with pontocerebellar hypoplasia, type 6 (MIM#611523). (I) 0106 - This gene is associated with autosomal recessive disease. (I) 0200 - Variant is predicted to result in a missense amino acid change from arginine to tryptophan. (I) 0251 - This variant is heterozygous. (I) 0304 - Variant is present in gnomAD <0.01 for a recessive condition (v3: 1 heterozygote, 0 homozygotes). (SP) 0309 - An alternative amino acid change at the same position has been observed in gnomAD (v2: 6 heterozygotes, 0 homozygotes). (I) 0501 - Missense variant consistently predicted to be damaging by multiple in silico tools or highly conserved with a major amino acid change. (SP) 0600 - Variant is located in the annotated catalytic domain (PMID: 30006346). (I) 0703 - Another missense variant comparable to the one identified in this case has moderate previous evidence for pathogenicity. The variant p.(Arg245Gln) has been reported as compound heterzygous in two individuals with pontocerebellar hypoplasia from the same family (PMID: 22569581). This variant has also been reported twice as pathogenic/likely pathogenic and twice as a VUS, however the VUS reports are older submissions. (SP) 0807 - This variant has no previous evidence of pathogenicity. (I) 0905 - No published segregation evidence has been identified for this variant. (I) 1007 - No published functional evidence has been identified for this variant. (I) 1201 - Heterozygous variant detected in trans with a second pathogenic heterozygous variant (NM_020320.3(RARS2):c.298-2570_395+341del) in a recessive disease. (I) Legend: (SP) - Supporting pathogenic, (I) - Information, (SB) - Supporting benign

GeneDx
Classification: Uncertain significance. Last evaluated: 2024-02-07. Review status: criteria provided, single submitter. Criteria: GeneDx Variant Classification Process June 2021. Collection method: clinical testing. Allele origin: germline. Affected: yes.
Comment: Not observed at significant frequency in large population cohorts (gnomAD); In silico analysis supports that this missense variant has a deleterious effect on protein structure/function; Has not been previously published as pathogenic or benign to our knowledge

Literature cited by the submitters: PubMed 22569581 (cited by Victorian Clinical Genetics Services, Murdoch Childrens Research Institute); PubMed 30006346 (cited by Victorian Clinical Genetics Services, Murdoch Childrens Research Institute).